The following is an entry in ClinVar:

NM_001709.5(BDNF):c.258C>T (p.Asp86=)

Genes: BDNF (brain derived neurotrophic factor; minus strand), BDNF-AS (BDNF antisense RNA; plus strand). Cytogenetic location: 11p14.1.
Variant type: single nucleotide variant.
Coding change: c.258C>T on transcript NM_001709.5 (MANE Select); coding-DNA position 258, C replaced by T.
Protein change: p.Asp86=; no amino-acid change (aspartic acid 86 retained).
Molecular consequence: synonymous variant. On other transcripts: non-coding transcript variant (5).
Genome position (GRCh38, 1-based): chr11:27,658,307, G>A on the plus strand (C>T on the coding strand, the complement: BDNF is on the minus strand). VCF-style: chr11-27658307-G-A. GRCh37 (hg19) VCF-style: chr11-27679854-G-A.
Other names: c.504C>T (NM_001143810.1); c.258C>T, p.Asp86= (NM_001143805.1, NM_001143806.1, NM_001143807.2 and 9 more transcripts); c.345C>T, p.Asp115= (NM_001143809.2); c.504C>T, p.Asp168= (NM_001143810.2); c.282C>T, p.Asp94= (NM_170731.5); c.303C>T, p.Asp101= (NM_170734.4); c.258C>T (NM_170735.5).
Identifiers: ClinVar variation 2759722 (VCV002759722.6), dbSNP rs78675155, ClinGen allele CA5929117.
Genomic context (GRCh38, chr11:27,658,307, plus strand): 5'-AAGAGGAGGCTCCAAAGGCACTTGACTACTGAGCATCACCCTGGACGTGTACAAGTCTGC[G>A]TCCTTATTGTTTTCTTCATTGGGCCGAACTTTCTGGTCCTCATCCAACAGCTCTTCTATC-3'
Protein context (NP_001700.2, residues 76-96): KVRPNEENNK[Asp86=]ADLYTSRVML

ClinVar aggregate classification (germline): Likely benign. Review status: criteria provided, multiple submitters, no conflicts (2 of 4 stars). 3 submissions from 3 submitters: Likely benign (2). 1 of the submissions does not count toward it. Last evaluated 2024-12-17.

Conditions:
Inborn genetic diseases. Identifiers: MedGen C0950123, MeSH D030342.
BDNF-related disorder. Also called: BDNF-related condition.

Allele frequency attached by ClinVar (database versions not stated): gnomAD exomes 0.00003; gnomAD 0.00005; ExAC 0.00011.
gnomAD v4.1: 56 of 1,613,976 alleles (0.0035%); highest among the groups gnomAD compares: Admixed American, 0.0067%; no homozygotes.

Submissions (3):

Ambry Genetics
Classification: Likely benign for Inborn genetic diseases. Last evaluated: 2024-12-17. Review status: criteria provided, single submitter. Criteria: Ambry Variant Classification Scheme 2023. Collection method: clinical testing. Allele origin: germline.

Labcorp Genetics (formerly Invitae), Labcorp
Classification: Likely benign. Last evaluated: 2024-10-14. Review status: criteria provided, single submitter. Criteria: Invitae Variant Classification Sherloc (09022015). Collection method: clinical testing. Allele origin: germline.

PreventionGenetics, part of Exact Sciences
Classification: Likely benign for BDNF-related condition. Last evaluated: 2019-11-11. Review status: no assertion criteria provided. Collection method: clinical testing. Allele origin: germline. Not counted in ClinVar's aggregate classification.
Comment: This variant is classified as likely benign based on ACMG/AMP sequence variant interpretation guidelines (Richards et al. 2015 PMID: 25741868, with internal and published modifications).